The following is an entry in ClinVar:

ClinVar aggregate classification (germline): Uncertain significance (1 of 4 stars; one submission).

Submission:

GeneDx
Classification: Uncertain significance. Last evaluated: 2024-12-05. Review status: criteria provided, single submitter. Criteria: GeneDx Variant Classification Process June 2021. Collection method: clinical testing. Allele origin: germline. Affected: yes.
Comment: Not observed at significant frequency in large population cohorts (gnomAD); In silico analysis supports that this missense variant has a deleterious effect on protein structure/function; Has not been previously published as pathogenic or benign to our knowledge

NM_017617.5(NOTCH1):c.3947G>A (p.Cys1316Tyr)

Gene: NOTCH1 (notch receptor 1; minus strand). Cytogenetic location: 9q34.3.
Variant type: single nucleotide variant.
Coding change: c.3947G>A on transcript NM_017617.5 (MANE Select); coding-DNA position 3947, G replaced by A.
Protein change: p.Cys1316Tyr; replaces cysteine 1316 with tyrosine.
Molecular consequence: missense variant.
Genome position (GRCh38, 1-based): chr9:136,506,594, C>T on the plus strand (G>A on the coding strand, the complement: NOTCH1 is on the minus strand). VCF-style: chr9-136506594-C-T. GRCh37 (hg19) VCF-style: chr9-139401046-C-T.
Other names: short protein forms C1316Y.
Identifiers: ClinVar variation 3901506 (VCV003901506.1).